The following is an entry in ClinVar:

ClinVar aggregate classification (germline): Uncertain significance (1 of 4 stars; one submission).

Submission:

Labcorp Genetics (formerly Invitae), Labcorp
Classification: Uncertain significance. Last evaluated: 2025-10-19. Review status: criteria provided, single submitter. Criteria: Invitae Variant Classification Sherloc (09022015). Collection method: clinical testing. Allele origin: germline.
Comment: This sequence change replaces valine, which is neutral and non-polar, with alanine, which is neutral and non-polar, at codon 391 of the FZD4 protein (p.Val391Ala). This variant is not present in population databases (gnomAD no frequency). This variant has not been reported in the literature in individuals affected with FZD4-related conditions. Invitae Evidence Modeling of protein sequence and biophysical properties (such as structural, functional, and spatial information, amino acid conservation, physicochemical variation, residue mobility, and thermodynamic stability) indicates that this missense variant is not expected to disrupt FZD4 protein function with a negative predictive value of 80%. In summary, the available evidence is currently insufficient to determine the role of this variant in disease. Therefore, it has been classified as a Variant of Uncertain Significance.

NM_012193.4(FZD4):c.1172T>C (p.Val391Ala)

Genes: PRSS23 (serine protease 23; plus strand), FZD4 (frizzled class receptor 4; minus strand). Cytogenetic location: 11q14.2.
Variant type: single nucleotide variant.
Coding change: c.1172T>C on transcript NM_012193.4 (MANE Select); coding-DNA position 1172, T replaced by C.
Protein change: p.Val391Ala; replaces valine 391 with alanine.
Molecular consequence: missense variant. On other transcripts: non-coding transcript variant (2).
Genome position (GRCh38, 1-based): chr11:86,951,584, A>G on the plus strand (T>C on the coding strand, the complement: FZD4 is on the minus strand). VCF-style: chr11-86951584-A-G. GRCh37 (hg19) VCF-style: chr11-86662626-A-G.
Other names: short protein forms V391A.
Identifiers: ClinVar variation 4718539 (VCV004718539.1).